The following is an entry in ClinVar:

ClinVar aggregate classification (germline): Pathogenic (1 of 4 stars; one submission).

Submission:

ISCA site 17
Classification: Pathogenic. Last evaluated: 2011-08-12. Review status: criteria provided, single submitter. Criteria: Kaminsky et al. (Genet Med. 2011). Collection method: clinical testing. Allele origin: unknown. Affected: yes. Observed: 1 variant allele.
Comment: Copy number variation identified through the course of routine clinical cytogenomic testing in postnatal populations. Clinical assertions have been curated as described in Kaminsky et al. 2011.

GRCh38/hg38 15q11.2-13.1(chr15:22358243-28481444)x1

Genes: PWAR6 (Prader Willi/Angelman region RNA 6; plus strand), PWARSN (Prader Willi/Angelman region RNA, SNRPN neighbor; plus strand), PWRN1 (Prader-Willi region non-protein coding RNA 1; plus strand), PWRN2 (Prader-Willi region non-protein coding RNA 2; minus strand), PWRN3 (Prader-Willi region non-protein coding RNA 3; plus strand) and 168 more. Cytogenetic location: 15q11.2-13.1.
Variant type: copy number loss.
Change: copy number 1 (one copy instead of two) of chr15:22,358,243-28,481,444 (6.12 Mb, GRCh38 coordinates, 1-based), cytogenetic band 15q11.2-13.1.
Identifiers: ClinVar variation 160796 (VCV000160796.1).